The following is an entry in ClinVar:

NM_020247.5(COQ8A):c.1080+1G>A

Gene: COQ8A (coenzyme Q8A; plus strand). Cytogenetic location: 1q42.13.
Variant type: single nucleotide variant.
Coding change: c.1080+1G>A on transcript NM_020247.5 (MANE Select); the canonical splice donor site of the intron after coding-DNA position 1080, G replaced by A.
Molecular consequence: splice donor variant.
Genome position (GRCh38, 1-based): chr1:226,983,035, G>A. VCF-style: chr1-226983035-G-A. GRCh37 (hg19) VCF-style: chr1-227170736-G-A.
Identifiers: ClinVar variation 1470426 (VCV001470426.8), dbSNP rs767634570, ClinGen allele CA1425282.
Genomic context (GRCh38, chr1:226,983,035, plus strand): 5'-ATTGGGCAGGTGCACTTGGCCCGAATGAAGGGCGGCCGCGAGGTGGCCATGAAGATCCAG[G>A]TAGGCGGCCTGATGCGCAGTGCCTGTCCCTATGGGGGCTGCAAGGGGCAGAGCTGGGGCC-3'

ClinVar aggregate classification (germline): Likely pathogenic (1 of 4 stars; one submission).

Allele frequency attached by ClinVar (database versions not stated): gnomAD exomes below 0.00001 and 0.00001; ExAC 0.00002.
gnomAD v4.1: 3 of 1,583,516 alleles (0.00019%); highest among the groups gnomAD compares: Non-Finnish European, 0.00017%; no homozygotes.

Submission:

Labcorp Genetics (formerly Invitae), Labcorp
Classification: Likely pathogenic. Last evaluated: 2021-05-20. Review status: criteria provided, single submitter. Criteria: Invitae Variant Classification Sherloc (09022015). Collection method: clinical testing. Allele origin: germline.
Comment: This sequence change affects a donor splice site in intron 8 of the COQ8A gene. It is expected to disrupt RNA splicing. Variants that disrupt the donor or acceptor splice site typically lead to a loss of protein function (PMID: 16199547), and loss-of-function variants in COQ8A are known to be pathogenic (PMID: 18319074, 20580948). This variant is present in population databases (rs767634570, ExAC 0.004%). This variant has not been reported in the literature in individuals with COQ8A-related conditions. Algorithms developed to predict the effect of sequence changes on RNA splicing suggest that this variant may disrupt the consensus splice site, but this prediction has not been confirmed by published transcriptional studies. In summary, the currently available evidence indicates that the variant is pathogenic, but additional data are needed to prove that conclusively. Therefore, this variant has been classified as Likely Pathogenic.

Literature cited by the submitters: PubMed 16199547; PubMed 18319074; PubMed 20580948.